The following is an entry in ClinVar:

NM_201384.3(PLEC):c.21C>T (p.Arg7=)

Genes: PLEC (plectin; minus strand), LOC130001338 (ATAC-STARR-seq lymphoblastoid active region 28078; plus strand). Cytogenetic location: 8q24.3.
Variant type: single nucleotide variant.
Coding change: c.21C>T on transcript NM_201384.3 (MANE Select); coding-DNA position 21, C replaced by T.
Protein change: p.Arg7=; no amino-acid change (arginine 7 retained).
Molecular consequence: synonymous variant. On other transcripts: intron variant (7).
Genome position (GRCh38, 1-based): chr8:143,939,441, G>A on the plus strand (C>T on the coding strand, the complement: PLEC is on the minus strand). VCF-style: chr8-143939441-G-A. GRCh37 (hg19) VCF-style: chr8-145013609-G-A.
Other names: c.194-749C>T (NM_000445.5); c.71-749C>T (NM_201378.4); c.47-749C>T (NM_201379.3); c.524-749C>T (NM_201380.4); c.17-749C>T (NM_201381.3); c.113-749C>T (NM_201382.4); c.125-749C>T (NM_201383.3); c.21C>T (NM_201384.2).
Identifiers: ClinVar variation 994918 (VCV000994918.3), dbSNP rs550636795, ClinGen allele CA4928694.
Genomic context (GRCh38, chr8:143,939,441, plus strand): 5'-CAGGTACAGGTTGTCCTCCGAGCTGGTTCTCTTTCGGCCCAGGCCCTCGGGCTGCGGCAC[G>A]CGGAGCTGGTGCTGAGACATGCTGCCCCCACACCTTCGTCGCCCGGACCCTCGGCCTCAG-3'
Protein context (NP_958786.1, residues 1-17): MSQHQL[Arg7=]VPQPEGLGRK

ClinVar aggregate classification (germline): Benign. Review status: criteria provided, single submitter (1 of 4 stars). 2 submissions from 2 submitters: Benign (1). 1 of the submissions does not count toward it. Last evaluated 2019-11-12.

Conditions:
PLEC-related disorder. Also called: PLEC-related disorders; PLEC-related condition.

Allele frequency attached by ClinVar (database versions not stated): ExAC 0.00013; gnomAD 0.00006; gnomAD exomes 0.00013; TOPMed 0.00014; 1000 Genomes Project below 0.00001.
gnomAD v4.1: 82 of 1,611,956 alleles (0.0051%); highest among the groups gnomAD compares: South Asian, 0.056%; no homozygotes.

Submissions (2):

Athena Diagnostics
Classification: Benign. Last evaluated: 2019-11-12. Review status: criteria provided, single submitter. Criteria: Athena Diagnostics Criteria. Collection method: clinical testing. Allele origin: unknown.

PreventionGenetics, part of Exact Sciences
Classification: Likely benign for PLEC-related condition. Last evaluated: 2019-09-06. Review status: no assertion criteria provided. Collection method: clinical testing. Allele origin: germline. Not counted in ClinVar's aggregate classification.
Comment: This variant is classified as likely benign based on ACMG/AMP sequence variant interpretation guidelines (Richards et al. 2015 PMID: 25741868, with internal and published modifications).